The following is an entry in ClinVar:

ClinVar aggregate classification (germline): Uncertain significance (1 of 4 stars; one submission).

Conditions:
Episodic ataxia type 2 (EA2). Also called: ATAXIA, EPISODIC, WITH NYSTAGMUS; ATAXIA, FAMILIAL PAROXYSMAL; CEREBELLAR ATAXIA, PAROXYSMAL, ACETAZOLAMIDE-RESPONSIVE; CEREBELLOPATHY, HEREDITARY PAROXYSMAL; EPISODIC ATAXIA, NYSTAGMUS-ASSOCIATED; ACETAZOLAMIDE-RESPONSIVE HEREDITARY PAROXYSMAL CEREBELLAR ATAXIA. Identifiers: Orphanet 97, MedGen C1720416, MONDO:0007163, OMIM 108500.
Developmental and epileptic encephalopathy, 42 (DEE42A). Also called: Epileptic encephalopathy, early infantile, 42; DEVELOPMENTAL AND EPILEPTIC ENCEPHALOPATHY 42A; EPILEPTIC ENCEPHALOPATHY, EARLY INFANTILE, 42A. Identifiers: MedGen C4310716, MONDO:0014917, OMIM 617106.

Allele frequency attached by ClinVar (database versions not stated): TOPMed below 0.00001.

Submission:

Labcorp Genetics (formerly Invitae), Labcorp
Classification: Uncertain significance for Developmental and epileptic encephalopathy, 42; Episodic ataxia type 2. Last evaluated: 2022-02-06. Review status: criteria provided, single submitter. Criteria: Invitae Variant Classification Sherloc (09022015). Collection method: clinical testing. Allele origin: germline.
Comment: This variant has not been reported in the literature in individuals affected with CACNA1A-related conditions. This variant is not present in population databases (gnomAD no frequency). This sequence change affects codon 1751 of the CACNA1A mRNA. It is a 'silent' change, meaning that it does not change the encoded amino acid sequence of the CACNA1A protein. It affects a nucleotide within the consensus splice site. Algorithms developed to predict the effect of sequence changes on RNA splicing suggest that this variant may create or strengthen a splice site. In summary, the available evidence is currently insufficient to determine the role of this variant in disease. Therefore, it has been classified as a Variant of Uncertain Significance.

NM_001127222.2(CACNA1A):c.5248C>A (p.Arg1750=)

Gene: CACNA1A (calcium voltage-gated channel subunit alpha1 A; minus strand). Cytogenetic location: 19p13.13.
Variant type: single nucleotide variant.
Coding change: c.5248C>A on transcript NM_001127222.2 (MANE Select); coding-DNA position 5248, C replaced by A.
Protein change: p.Arg1750=; no amino-acid change (arginine 1750 retained).
Molecular consequence: synonymous variant.
Genome position (GRCh38, 1-based): chr19:13,234,922, G>T on the plus strand (C>A on the coding strand, the complement: CACNA1A is on the minus strand). VCF-style: chr19-13234922-G-T. GRCh37 (hg19) VCF-style: chr19-13345736-G-T.
Other names: c.5266C>A, p.Arg1756= (NM_000068.4, NM_023035.3); c.5251C>A, p.Arg1751= (NM_001127221.2); c.5257C>A, p.Arg1753= (NM_001174080.2).
Identifiers: ClinVar variation 2093694 (VCV002093694.4), dbSNP rs1568446845, ClinGen allele CA505657832.